The following is an entry in ClinVar:

NM_000195.5(HPS1):c.1172del (p.Leu391fs)

Gene: HPS1 (HPS1 biogenesis of lysosomal organelles complex 3 subunit 1; minus strand). Cytogenetic location: 10q24.2.
Variant type: Deletion.
Coding change: c.1172del on transcript NM_000195.5 (MANE Select); coding-DNA position 1172, one base deleted (T; older notation c.1172delT).
Protein change: p.Leu391fs; shifts the reading frame from leucine 391.
Molecular consequence: frameshift variant.
Genome position (GRCh38, 1-based): chr10:98,425,704, A deleted on the plus strand (T on the coding strand, the reverse complement: HPS1 is on the minus strand). VCF-style (leftmost placement, unchanged base first): chr10-98425703-CA-C. GRCh37 (hg19) VCF-style: chr10-100185460-CA-C.
Other names: c.200del, p.Leu67fs (NM_001311345.2, NM_001322487.2, NM_001322489.2); c.1172del, p.Leu391fs (NM_001322476.2, NM_001322477.2); c.1073del, p.Leu358fs (NM_001322478.2, NM_001322479.2); c.911del, p.Leu304fs (NM_001322480.2, NM_001322481.2); c.812del, p.Leu271fs (NM_001322482.2); c.803del, p.Leu268fs (NM_001322483.2, NM_001322484.2); c.704del, p.Leu235fs (NM_001322485.2); short protein forms L271fs, L67fs, L268fs, L235fs, L304fs, L358fs, L391fs.
Identifiers: ClinVar variation 3588865 (VCV003588865.3).
Genomic context (GRCh38, chr10:98,425,703, plus strand): 5'-TTCCTTCAGCTTCTTCTCCAGCATGGAGAAGCCATCCATCAGCTGGGACAGAACCAGGGC[CA>C]GGGGCGCGCTGGGGCTCTGAGGGTAAGGGCCGAGAGGCGGGTGAACGGGGCTGCCCCTGG-3'

ClinVar aggregate classification (germline): Pathogenic/Likely pathogenic. Review status: criteria provided, multiple submitters, no conflicts (2 of 4 stars). 3 submissions from 3 submitters: Pathogenic (2); Likely pathogenic (1). Last evaluated 2026-06-03.

Conditions:
Hermansky-Pudlak syndrome 1 (HPS1). Also called: DELTA STORAGE POOL DISEASE. Identifiers: Orphanet 231500, Orphanet 79430, MedGen C2931875, MONDO:0008748, OMIM 203300.

Submissions (3):

Victorian Clinical Genetics Services, Murdoch Childrens Research Institute
Classification: Pathogenic for Hermansky-Pudlak syndrome 1. Last evaluated: 2026-06-03. Review status: criteria provided, single submitter. Criteria: ACMG Guidelines, 2015. Collection method: clinical testing. Allele origin: germline. Affected: yes.
Comment: This variant is classified as Pathogenic. Evidence in support of pathogenic classification: Variant is predicted to cause nonsense-mediated decay (NMD) and loss of protein (premature termination codon is located at least 54 nucleotides upstream of the final exon-exon junction); Variant is absent from gnomAD (v2, v3 and v4); This variant has limited previous evidence of pathogenicity in unrelated individual(s). This variant has been classified as likely pathogenic/pathogenic by two clinical laboratories in ClinVar; Other NMD predicted variants comparable to the one identified in this case have very strong previous evidence for pathogenicity (DECIPHER). Additional information: This variant is homozygous; This gene is associated with autosomal recessive disease; Loss of function is a known mechanism of disease in this gene and is associated with Hermansky-Pudlak syndrome 1 (MIM#203300); Inheritance information for this variant is not currently available in this individual.

Labcorp Genetics (formerly Invitae), Labcorp
Classification: Pathogenic. Last evaluated: 2025-07-13. Review status: criteria provided, single submitter. Criteria: Invitae Variant Classification Sherloc (09022015). Collection method: clinical testing. Allele origin: germline.
Comment: This sequence change creates a premature translational stop signal (p.Leu391Argfs*8) in the HPS1 gene. It is expected to result in an absent or disrupted protein product. Loss-of-function variants in HPS1 are known to be pathogenic (PMID: 12442288, 16185271). This variant is not present in population databases (gnomAD no frequency). This variant has not been reported in the literature in individuals affected with HPS1-related conditions. ClinVar contains an entry for this variant (Variation ID: 3588865). For these reasons, this variant has been classified as Pathogenic.

Fulgent Genetics
Classification: Likely pathogenic for Hermansky-Pudlak syndrome 1. Last evaluated: 2024-05-23. Review status: criteria provided, single submitter. Criteria: ACMG Guidelines, 2015. Collection method: clinical testing. Allele origin: germline.

Literature cited by the submitters: PubMed 12442288 (cited by Labcorp Genetics (formerly Invitae), Labcorp); PubMed 16185271 (cited by Labcorp Genetics (formerly Invitae), Labcorp).